The following is an entry in ClinVar:

NM_004082.5(DCTN1):c.1392+7G>A

Gene: DCTN1 (dynactin subunit 1; minus strand). Cytogenetic location: 2p13.1.
Variant type: single nucleotide variant.
Coding change: c.1392+7G>A on transcript NM_004082.5 (MANE Select); 7 bases into the intron after coding-DNA position 1392, G replaced by A.
Molecular consequence: intron variant.
Genome position (GRCh38, 1-based): chr2:74,369,958, C>T on the plus strand (G>A on the coding strand, the complement: DCTN1 is on the minus strand). VCF-style: chr2-74369958-C-T. GRCh37 (hg19) VCF-style: chr2-74597085-C-T.
Other names: c.1281+7G>A (NM_001190836.2); c.1323+7G>A (NM_001378992.1); c.1341+7G>A (NM_001378991.1); c.1332+7G>A (NM_001135040.3); c.1371+7G>A (NM_001190837.2); c.990+7G>A (NM_001135041.3, NM_023019.4); c.1392+7G>A (NM_004082.4).
Identifiers: ClinVar variation 2155722 (VCV002155722.6), dbSNP rs770354216, ClinGen allele CA1722172.
Genomic context (GRCh38, chr2:74,369,958, plus strand): 5'-AGGGTCACATGTCAATCTTTTTCTCAGCAGGTCCAAGTCAGATGTCAGGGGTCTGCTCTT[C>T]TCTTACCAAGTCTCCCACAGTCTCCCTCAACTCGCGCACTTTCTCTTCCAGATTCAGGTT-3'

ClinVar aggregate classification (germline): Likely benign. Review status: criteria provided, single submitter (1 of 4 stars). 2 submissions from 2 submitters: Likely benign (1). 1 of the submissions does not count toward it. Last evaluated 2023-11-10.

Conditions:
Amyotrophic lateral sclerosis type 1 (ALS1). Also called: AMYOTROPHIC LATERAL SCLEROSIS 1, FAMILIAL. Identifiers: Orphanet 803, MedGen C1862939, MONDO:0007103, OMIM 105400.
Neuronopathy, distal hereditary motor, type 7B. Also called: Distal Hereditary Motor Neuronopathy Type 7B (dHMN7B); HMN VIIB; LOWER MOTOR NEURON DISEASE, DYNACTIN TYPE; NEURONOPATHY, DISTAL HEREDITARY MOTOR, AUTOSOMAL DOMINANT 14; NEURONOPATHY, DISTAL HEREDITARY MOTOR, HARDING TYPE VIIB; NEUROPATHY, DISTAL HEREDITARY MOTOR, HARDING TYPE VIIB. Identifiers: Orphanet 139589, MedGen C1843315, MONDO:0011879, OMIM 607641.
Perry syndrome. Also called: PARKINSONISM WITH ALVEOLAR HYPOVENTILATION AND MENTAL DEPRESSION. Identifiers: Orphanet 178509, MedGen C1868594, MONDO:0008201, OMIM 168605.
DCTN1-related disorder. Also called: DCTN1-related condition.

Allele frequency attached by ClinVar (database versions not stated): ExAC 0.00001; TOPMed 0.00003; gnomAD exomes 0.00001; gnomAD 0.00003.
gnomAD v4.1: 23 of 1,613,820 alleles (0.0014%); highest among the groups gnomAD compares: African/African-American, 0.015%; no homozygotes.

Submissions (2):

Labcorp Genetics (formerly Invitae), Labcorp
Classification: Likely benign for Amyotrophic lateral sclerosis type 1; Neuronopathy, distal hereditary motor, type 7B; Perry syndrome. Last evaluated: 2023-11-10. Review status: criteria provided, single submitter. Criteria: Invitae Variant Classification Sherloc (09022015). Collection method: clinical testing. Allele origin: germline.

PreventionGenetics, part of Exact Sciences
Classification: Likely benign for DCTN1-related condition. Last evaluated: 2023-04-12. Review status: no assertion criteria provided. Collection method: clinical testing. Allele origin: germline. Not counted in ClinVar's aggregate classification.
Comment: This variant is classified as likely benign based on ACMG/AMP sequence variant interpretation guidelines (Richards et al. 2015 PMID: 25741868, with internal and published modifications).